The following is an entry in ClinVar:

ClinVar aggregate classification (germline): Uncertain significance (1 of 4 stars; one submission).

Submission:

Labcorp Genetics (formerly Invitae), Labcorp
Classification: Uncertain significance. Last evaluated: 2022-05-08. Review status: criteria provided, single submitter. Criteria: Invitae Variant Classification Sherloc (09022015). Collection method: clinical testing. Allele origin: germline.
Comment: This variant has not been reported in the literature in individuals affected with ERBB4-related conditions. In summary, the available evidence is currently insufficient to determine the role of this variant in disease. Therefore, it has been classified as a Variant of Uncertain Significance. Algorithms developed to predict the effect of missense changes on protein structure and function are either unavailable or do not agree on the potential impact of this missense change (SIFT: "Deleterious"; PolyPhen-2: "Probably Damaging"; Align-GVGD: "Class C0"). This variant is not present in population databases (gnomAD no frequency). This sequence change replaces glycine, which is neutral and non-polar, with aspartic acid, which is acidic and polar, at codon 237 of the ERBB4 protein (p.Gly237Asp).

NM_005235.3(ERBB4):c.710G>A (p.Gly237Asp)

Gene: ERBB4 (erb-b2 receptor tyrosine kinase 4; minus strand). Cytogenetic location: 2q34.
Variant type: single nucleotide variant.
Coding change: c.710G>A on transcript NM_005235.3 (MANE Select); coding-DNA position 710, G replaced by A.
Protein change: p.Gly237Asp; replaces glycine 237 with aspartic acid.
Molecular consequence: missense variant.
Genome position (GRCh38, 1-based): chr2:211,725,107, C>T on the plus strand (G>A on the coding strand, the complement: ERBB4 is on the minus strand). VCF-style: chr2-211725107-C-T. GRCh37 (hg19) VCF-style: chr2-212589832-C-T.
Other names: c.710G>A, p.Gly237Asp (NM_001042599.2); short protein forms G237D.
Identifiers: ClinVar variation 2135003 (VCV002135003.4), dbSNP rs2470086712, ClinGen allele CA350444777.
Genomic context (GRCh38, chr2:211,725,107, plus strand): 5'-ATAATAAAAGAGAGAAATCACAGACATACAAAGCAGTCTGTGTCCTTAGGTCCTGAGCAG[C>T]CTCCAGCACATTCTCGATGGCAGCAGTCACTGACGTAAGGTCCGTAGCATCTGCCGTCAC-3'
Protein context (NP_005226.1, residues 227-247): SDCCHRECAG[Gly237Asp]CSGPKDTDCF